The following is an entry in ClinVar:

NM_001012338.3(NTRK3):c.1868G>A (p.Gly623Glu)

Gene: NTRK3 (neurotrophic receptor tyrosine kinase 3; minus strand). Cytogenetic location: 15q25.3.
Variant type: single nucleotide variant.
Coding change: c.1868G>A on transcript NM_001012338.3 (MANE Select); coding-DNA position 1868, G replaced by A.
Protein change: p.Gly623Glu; replaces glycine 623 with glutamic acid.
Molecular consequence: missense variant.
Genome position (GRCh38, 1-based): chr15:87,933,033, C>T on the plus strand (G>A on the coding strand, the complement: NTRK3 is on the minus strand). VCF-style: chr15-87933033-C-T. GRCh37 (hg19) VCF-style: chr15-88476264-C-T.
Other names: c.1844G>A, p.Gly615Glu (NM_001243101.2, NM_001375812.1); c.1574G>A, p.Gly525Glu (NM_001320135.2); c.1868G>A, p.Gly623Glu (NM_001375810.1, NM_001375811.1, NM_002530.4); short protein forms G525E, G615E, G623E.
Identifiers: ClinVar variation 1195987 (VCV001195987.1), dbSNP rs2141954132, ClinGen allele CA393914377.
Genomic context (GRCh38, chr15:87,933,033, plus strand): 5'-GACTGGGGTCAGGTGCAGGGGAAGACAATCCTTGCTTACCTGAGGAACTTATTCAGGTCT[C>T]CATGCTTCATGTATTCAAAGACCATGATGAGGGGGTCCCCATCGCCGCACACTCCATAGA-3'
Protein context (NP_001012338.1, residues 613-633): LIMVFEYMKH[Gly623Glu]DLNKFLRAHG

ClinVar aggregate classification (germline): other (0 of 4 stars; one submission).

Conditions:
Entrectinib resistance.
Cabozantinib resistance.
Repotrectinib resistance.
Selitrectinib resistance.
Larotrectinib resistance.

Submission:

Davare Laboratory, Oregon Health & Science University
Classification: other for Entrectinib resistance; Cabozantinib resistance; Larotrectinib resistance; Repotrectinib resistance; Selitrectinib resistance. Review status: no assertion criteria provided. Collection method: research. Allele origin: somatic. Inheritance: Somatic mutation.
Comment: Kinase domain mutation within ETV6-NTRK3 fusion imposes resistance to multiple NTRK kinase inhibitors; Induces drug resistance when present in context of ETV6-NTRK3 fusion protein; In cell based assays, ETV6-NTRK3 with NTRK3 G623E mutation conferred high level of resistance to multiple NTRK tyrosine kinase inhibitors.